The following is an entry in ClinVar:

ClinVar aggregate classification (germline): Uncertain significance. Review status: criteria provided, multiple submitters, no conflicts (2 of 4 stars). 2 submissions from 2 submitters: Uncertain significance (2). Last evaluated 2026-05-14.

Conditions:
Familial thoracic aortic aneurysm and aortic dissection (TAAD). Also called: Thoracic aortic aneurysms and dissections. Identifiers: Orphanet 91387, MedGen C4707243, MONDO:0019625.
Ehlers-Danlos syndrome, classic type, 1 (EDSCL1). Also called: EHLERS-DANLOS SYNDROME, GRAVIS TYPE; EHLERS-DANLOS SYNDROME, SEVERE CLASSIC TYPE; Ehlers-Danlos syndrome, type 1; Ehlers-Danlos Syndrome, Classic Type, COL5A1-Related; EDS I. Identifiers: MedGen C0268335, MONDO:0019567, OMIM 130000.

gnomAD v4.1: 1 of 1,613,828 alleles (0.000062%); highest among the groups gnomAD compares: Non-Finnish European, 0.000085%; no homozygotes.

Submissions (2):

Ambry Genetics
Classification: Uncertain significance for Familial thoracic aortic aneurysm and aortic dissection. Last evaluated: 2026-05-14. Review status: criteria provided, single submitter. Criteria: Ambry Variant Classification Scheme 2023. Collection method: clinical testing. Allele origin: germline.
Comment: The p.G1045D variant (also known as c.3134G>A), located in coding exon 40 of the COL5A1 gene, results from a G to A substitution at nucleotide position 3134. The glycine at codon 1045 is replaced by aspartic acid, an amino acid with similar properties. This amino acid position is conserved. In addition, this alteration is predicted to be deleterious by in silico analysis. Based on the available evidence, the clinical significance of this variant remains unclear.

Labcorp Genetics (formerly Invitae), Labcorp
Classification: Uncertain significance for Ehlers-Danlos syndrome, classic type, 1. Last evaluated: 2025-07-09. Review status: criteria provided, single submitter. Criteria: Invitae Variant Classification Sherloc (09022015). Collection method: clinical testing. Allele origin: germline.
Comment: This sequence change replaces glycine, which is neutral and non-polar, with aspartic acid, which is acidic and polar, at codon 1045 of the COL5A1 protein (p.Gly1045Asp). This variant is not present in population databases (gnomAD no frequency). This variant has not been reported in the literature in individuals affected with COL5A1-related conditions. Invitae Evidence Modeling of protein sequence and biophysical properties (such as structural, functional, and spatial information, amino acid conservation, physicochemical variation, residue mobility, and thermodynamic stability) indicates that this missense variant is expected to disrupt COL5A1 protein function with a positive predictive value of 95%. This variant disrupts the triple helix domain of COL5A1. Glycine residues within the Gly-Xaa-Yaa repeats of the triple helix domain are required for the structure and stability of fibrillar collagens (PMID: 7695699, 8218237, 19344236), and variants at these glycine residues in COL5A1 are more frequently observed in individuals with disease than in the general population (PMID: 22696272, 23587214). However, the clinical significance of this observation remains uncertain since only a limited number of affected individuals have been described to date. In summary, the available evidence is currently insufficient to determine the role of this variant in disease. Therefore, it has been classified as a Variant of Uncertain Significance.

Literature cited by the submitters: PubMed 7695699 (cited by Labcorp Genetics (formerly Invitae), Labcorp); PubMed 8218237 (cited by Labcorp Genetics (formerly Invitae), Labcorp); PubMed 19344236 (cited by Labcorp Genetics (formerly Invitae), Labcorp); PubMed 22696272 (cited by Labcorp Genetics (formerly Invitae), Labcorp); PubMed 23587214 (cited by Labcorp Genetics (formerly Invitae), Labcorp).

NM_000093.5(COL5A1):c.3134G>A (p.Gly1045Asp)

Gene: COL5A1 (collagen type V alpha 1 chain; plus strand). Cytogenetic location: 9q34.3.
Variant type: single nucleotide variant.
Coding change: c.3134G>A on transcript NM_000093.5 (MANE Select); coding-DNA position 3134, G replaced by A.
Protein change: p.Gly1045Asp; replaces glycine 1045 with aspartic acid.
Molecular consequence: missense variant.
Genome position (GRCh38, 1-based): chr9:134,804,994, G>A. VCF-style: chr9-134804994-G-A. GRCh37 (hg19) VCF-style: chr9-137696840-G-A.
Other names: c.3134G>A, p.Gly1045Asp (NM_001278074.1); c.3134G>A (NM_000093.3); short protein forms G1045D.
Identifiers: ClinVar variation 4746350 (VCV004746350.2).